The following is an entry in ClinVar:

NM_001875.5(CPS1):c.2421G>A (p.Glu807=)

Gene: CPS1 (carbamoyl-phosphate synthase 1; plus strand). Cytogenetic location: 2q34.
Variant type: single nucleotide variant.
Coding change: c.2421G>A on transcript NM_001875.5 (MANE Select); coding-DNA position 2421, G replaced by A.
Protein change: p.Glu807=; no amino-acid change (glutamic acid 807 retained).
Molecular consequence: synonymous variant. On other transcripts: non-coding transcript variant (2).
Genome position (GRCh38, 1-based): chr2:210,612,146, G>A. VCF-style: chr2-210612146-G-A. GRCh37 (hg19) VCF-style: chr2-211476870-G-A.
Other names: c.2421G>A (LRG_336t1); c.2421G>A, p.Glu807= (NM_001122633.3, NM_001369257.1); c.2454G>A, p.Glu818= (NM_001369256.1).
Identifiers: ClinVar variation 511594 (VCV000511594.19), dbSNP rs140726293, ClinGen allele CA2086635.

ClinVar aggregate classification (germline): Benign/Likely benign. Review status: criteria provided, multiple submitters, no conflicts (2 of 4 stars). 6 submissions from 6 submitters: Benign (1); Likely benign (3). 2 of the submissions do not count toward it. Last evaluated 2026-06-01.

Conditions:
Congenital hyperammonemia, type I. Also called: Hyperammonemia due to carbamoyl phosphate synthetase 1 deficiency; CPS 1 deficiency; Carbamyl phosphate synthetase (CPS) deficiency; Carbamoyl phosphate synthetase I deficiency disease; Carbamoyl-phosphate synthase I deficiency; CPS I DEFICIENCY. Identifiers: Orphanet 147, MedGen C4082171, MONDO:0009376, OMIM 237300.
CPS1-related disorder. Also called: CPS1-related condition.

Allele frequency attached by ClinVar (database versions not stated): TOPMed 0.00010; gnomAD exomes 0.00013 and 0.00033; ESP Exome Variant Server 0.00015; gnomAD 0.00025 and 0.00026; ExAC 0.00029.
gnomAD v4.1: 232 of 1,612,074 alleles (0.014%); highest among the groups gnomAD compares: Middle Eastern, 0.05%; no homozygotes.

Submissions (6):

CeGaT Center for Human Genetics Tuebingen
Classification: Likely benign. Last evaluated: 2026-06-01. Review status: criteria provided, single submitter. Criteria: CeGaT Center For Human Genetics Tuebingen Variant Classification Criteria Version 2. Collection method: clinical testing. Allele origin: germline. Affected: yes. Observed: 1 variant allele.
Comment: CPS1: BP4, BP7

Labcorp Genetics (formerly Invitae), Labcorp
Classification: Benign for Congenital hyperammonemia, type I. Last evaluated: 2025-10-27. Review status: criteria provided, single submitter. Criteria: Invitae Variant Classification Sherloc (09022015). Collection method: clinical testing. Allele origin: germline.

GeneDx
Classification: Likely benign. Last evaluated: 2017-09-01. Review status: criteria provided, single submitter. Criteria: GeneDx Variant Classification (06012015). Collection method: clinical testing. Allele origin: germline. Affected: yes.
Comment: This variant is considered likely benign or benign based on one or more of the following criteria: it is a conservative change, it occurs at a poorly conserved position in the protein, it is predicted to be benign by multiple in silico algorithms, and/or has population frequency not consistent with disease.

Breakthrough Genomics
Classification: Likely benign. Review status: criteria provided, single submitter. Criteria: ACMG Guidelines, 2015. Collection method: not provided. Allele origin: germline. Inheritance: Autosomal recessive inheritance. Affected: yes.

Natera, Inc.
Classification: Likely benign for Carbamoyl-phosphate synthase I deficiency. Last evaluated: 2019-12-16. Review status: no assertion criteria provided. Collection method: clinical testing. Allele origin: germline. Not counted in ClinVar's aggregate classification.

PreventionGenetics, part of Exact Sciences
Classification: Likely benign for CPS1-related condition. Last evaluated: 2019-08-15. Review status: no assertion criteria provided. Collection method: clinical testing. Allele origin: germline. Not counted in ClinVar's aggregate classification.
Comment: This variant is classified as likely benign based on ACMG/AMP sequence variant interpretation guidelines (Richards et al. 2015 PMID: 25741868, with internal and published modifications).